The following is an entry in ClinVar:

NM_032609.3(COX4I2):c.293G>A (p.Arg98His)

Gene: COX4I2 (cytochrome c oxidase subunit 4I2; plus strand). Cytogenetic location: 20q11.21.
Variant type: single nucleotide variant.
Coding change: c.293G>A on transcript NM_032609.3 (MANE Select); coding-DNA position 293, G replaced by A.
Protein change: p.Arg98His; replaces arginine 98 with histidine.
Molecular consequence: missense variant.
Genome position (GRCh38, 1-based): chr20:31,643,449, G>A. VCF-style: chr20-31643449-G-A. GRCh37 (hg19) VCF-style: chr20-30231252-G-A.
Other names: short protein forms R98H.
Identifiers: ClinVar variation 4655963 (VCV004655963.2).
Genomic context (GRCh38, chr20:31,643,449, plus strand): 5'-CCCAACTGCCTCCAGTGTACCGGCTCCAGTTCAATGAGACCTTTGCGGAGATGAACCGTC[G>A]CTCCAATGAGTGGAAGACAGTGATGGGTTGTGTCTTCTTCTTCATTGGATTCGCAGCTCT-3'
Protein context (NP_115998.2, residues 88-108): FNETFAEMNR[Arg98His]SNEWKTVMGC

ClinVar aggregate classification (germline): Uncertain significance. Review status: criteria provided, multiple submitters, no conflicts (2 of 4 stars). 2 submissions from 2 submitters: Uncertain significance (2). Last evaluated 2025-12-09.

gnomAD v4.1: 10 of 1,614,132 alleles (0.00062%); highest among the groups gnomAD compares: Admixed American, 0.0017%; no homozygotes.

Submissions (2):

Ambry Genetics
Classification: Uncertain significance. Last evaluated: 2025-12-09. Review status: criteria provided, single submitter. Criteria: Ambry Variant Classification Scheme 2023. Collection method: clinical testing. Allele origin: germline.

Labcorp Genetics (formerly Invitae), Labcorp
Classification: Uncertain significance. Last evaluated: 2025-09-17. Review status: criteria provided, single submitter. Criteria: Invitae Variant Classification Sherloc (09022015). Collection method: clinical testing. Allele origin: germline.
Comment: This sequence change replaces arginine, which is basic and polar, with histidine, which is basic and polar, at codon 98 of the COX4I2 protein (p.Arg98His). This variant is present in population databases (rs373809337, gnomAD 0.01%). This variant has not been reported in the literature in individuals affected with COX4I2-related conditions. An algorithm developed to predict the effect of missense changes on protein structure and function outputs the following: PolyPhen-2: "Benign". The histidine amino acid residue is found in multiple mammalian species, which suggests that this missense change does not adversely affect protein function. In summary, the available evidence is currently insufficient to determine the role of this variant in disease. Therefore, it has been classified as a Variant of Uncertain Significance.